The following is an entry in ClinVar:

NM_001384125.1(BLTP1):c.5076G>A (p.Glu1692=)

Gene: BLTP1 (bridge-like lipid transfer protein family member 1; plus strand). Cytogenetic location: 4q27.
Variant type: single nucleotide variant.
Coding change: c.5076G>A on transcript NM_001384125.1 (MANE Select); coding-DNA position 5076, G replaced by A.
Protein change: p.Glu1692=; no amino-acid change (glutamic acid 1692 retained).
Molecular consequence: synonymous variant.
Genome position (GRCh38, 1-based): chr4:122,246,190, G>A. VCF-style: chr4-122246190-G-A. GRCh37 (hg19) VCF-style: chr4-123167345-G-A.
Other names: c.5076G>A, p.Glu1692= (NM_015312.4).
Identifiers: ClinVar variation 3054613 (VCV003054613.2), dbSNP rs2478268696, ClinGen allele CA440925452.

ClinVar aggregate classification (germline): Likely benign (0 of 4 stars; one submission).

Conditions:
BLTP1-related disorder. Also called: BLTP1-related condition.

Submission:

PreventionGenetics, part of Exact Sciences
Classification: Likely benign for BLTP1-related condition. Last evaluated: 2022-04-19. Review status: no assertion criteria provided. Collection method: clinical testing. Allele origin: germline.
Comment: This variant is classified as likely benign based on ACMG/AMP sequence variant interpretation guidelines (Richards et al. 2015 PMID: 25741868, with internal and published modifications).